The following is an entry in ClinVar:

ClinVar aggregate classification (germline): Uncertain significance (1 of 4 stars; one submission).

Submission:

CeGaT Center for Human Genetics Tuebingen
Classification: Uncertain significance. Last evaluated: 2025-10-01. Review status: criteria provided, single submitter. Criteria: CeGaT Center For Human Genetics Tuebingen Variant Classification Criteria Version 2. Collection method: clinical testing. Allele origin: germline. Affected: yes. Observed: 1 variant allele.
Comment: ZFHX4: PM2, BP4

NM_024721.5(ZFHX4):c.9917C>T (p.Thr3306Ile)

Gene: ZFHX4 (zinc finger homeobox 4; plus strand). Cytogenetic location: 8q21.13.
Variant type: single nucleotide variant.
Coding change: c.9917C>T on transcript NM_024721.5 (MANE Select); coding-DNA position 9917, C replaced by T.
Protein change: p.Thr3306Ile; replaces threonine 3306 with isoleucine.
Molecular consequence: missense variant.
Genome position (GRCh38, 1-based): chr8:76,863,631, C>T. VCF-style: chr8-76863631-C-T. GRCh37 (hg19) VCF-style: chr8-77775867-C-T.
Other names: c.9839C>T, p.Thr3280Ile (NM_001410934.1); short protein forms T3280I, T3306I.
Identifiers: ClinVar variation 4534915 (VCV004534915.6).